The following is an entry in ClinVar:

NM_001086.3(AADAC):c.1198T>C (p.Ter400Gln)

Genes: AADAC (arylacetamide deacetylase; plus strand), AADACL2-AS1 (AADACL2 antisense RNA 1; minus strand). Cytogenetic location: 3q25.1.
Variant type: single nucleotide variant.
Coding change: c.1198T>C on transcript NM_001086.3 (MANE Select); coding-DNA position 1198, T replaced by C.
Protein change: p.Ter400Gln.
Molecular consequence: stop lost.
Genome position (GRCh38, 1-based): chr3:151,828,170, T>C. VCF-style: chr3-151828170-T-C. GRCh37 (hg19) VCF-style: chr3-151545958-T-C.
Identifiers: ClinVar variation 2654243 (VCV002654243.24), dbSNP rs61733692, ClinGen allele CA2671583.

ClinVar aggregate classification (germline): Likely benign (1 of 4 stars; one submission).

Allele frequency attached by ClinVar (database versions not stated): 1000 Genomes Project 30x 0.00094; 1000 Genomes Project 0.00100; gnomAD 0.00356; TOPMed 0.00359; ExAC 0.00389; ESP Exome Variant Server 0.00424.
gnomAD v4.1: 8,031 of 1,496,354 alleles (0.54%); highest among the groups gnomAD compares: Non-Finnish European, 0.68%; 89 homozygotes.

Submission:

CeGaT Center for Human Genetics Tuebingen
Classification: Likely benign. Last evaluated: 2023-01-01. Review status: criteria provided, single submitter. Criteria: CeGaT Center For Human Genetics Tuebingen Variant Classification Criteria Version 2. Collection method: clinical testing. Allele origin: germline. Affected: yes. Observed: 1 variant allele.
Comment: AADAC: BS2